The following is an entry in ClinVar:

ClinVar aggregate classification (germline): Uncertain significance (1 of 4 stars; one submission).

Conditions:
Fanconi anemia (FA). Also called: Fanconi's anemia. Identifiers: Orphanet 84, MedGen C0015625, MeSH D005199, MONDO:0019391.

Submission:

Labcorp Genetics (formerly Invitae), Labcorp
Classification: Uncertain significance for Fanconi anemia. Last evaluated: 2021-04-11. Review status: criteria provided, single submitter. Criteria: Invitae Variant Classification Sherloc (09022015). Collection method: clinical testing. Allele origin: germline.
Comment: In summary, the available evidence is currently insufficient to determine the role of this variant in disease. Therefore, it has been classified as a Variant of Uncertain Significance. Nucleotide substitutions within the consensus splice site are a relatively common cause of aberrant splicing (PMID: 17576681, 9536098). Algorithms developed to predict the effect of sequence changes on RNA splicing suggest that this variant may disrupt the consensus splice site, but this prediction has not been confirmed by published transcriptional studies. This variant has not been reported in the literature in individuals with FANCA-related conditions. This variant is not present in population databases (ExAC no frequency). This sequence change affects codon 361 of the FANCA mRNA. It is a 'silent' change, meaning that it does not change the encoded amino acid sequence of the FANCA protein. This variant also falls at the last nucleotide of exon 12, which is part of the consensus splice site for this exon.

Literature cited by the submitters: PubMed 17576681; PubMed 9536098.

NM_000135.4(FANCA):c.1083G>A (p.Arg361=)

Gene: FANCA (FA complementation group A; minus strand). Cytogenetic location: 16q24.3.
Variant type: single nucleotide variant.
Coding change: c.1083G>A on transcript NM_000135.4 (MANE Select); coding-DNA position 1083, G replaced by A.
Protein change: p.Arg361=; no amino-acid change (arginine 361 retained).
Molecular consequence: synonymous variant.
Genome position (GRCh38, 1-based): chr16:89,792,471, C>T on the plus strand (G>A on the coding strand, the complement: FANCA is on the minus strand). VCF-style: chr16-89792471-C-T. GRCh37 (hg19) VCF-style: chr16-89858879-C-T.
Other names: c.1083G>A, p.Arg361= (NM_001286167.3).
Identifiers: ClinVar variation 1492248 (VCV001492248.6), dbSNP rs2143534230, ClinGen allele CA497193255.